The following is an entry in ClinVar:

ClinVar aggregate classification (germline): Uncertain significance. Review status: criteria provided, single submitter (1 of 4 stars). 2 submissions from 2 submitters: Uncertain significance (1). 1 of the submissions does not count toward it. Last evaluated 2022-12-08.

Conditions:
Autosomal dominant cerebellar ataxia. Also called: Spinocerebellar Ataxia, Dominant. Identifiers: Orphanet 99, MedGen C4087347, MONDO:0020380.
Spinocerebellar ataxia type 14 (SCA14). Identifiers: Orphanet 98763, MedGen C1854369, MONDO:0011540, OMIM 605361.

Submissions (2):

Institute of Medical Genetics and Applied Genomics, University Hospital Tübingen
Classification: Uncertain significance for Spinocerebellar ataxia type 14; Autosomal dominant cerebellar ataxia. Last evaluated: 2022-12-08. Review status: criteria provided, single submitter. Criteria: ACMG Guidelines, 2015. Collection method: clinical testing. Allele origin: germline. Inheritance: Autosomal dominant inheritance. Affected: yes.

Institute of Human Genetics, University of Goettingen
Classification: Likely pathogenic for Spinocerebellar ataxia type 14. Last evaluated: 2020-06-12. Review status: no assertion criteria provided. Collection method: clinical testing. Allele origin: germline. Affected: yes. Observed: 1 heterozygote. Not counted in ClinVar's aggregate classification.
Comment: Spinocerebellar ataxia 14

NM_002739.5(PRKCG):c.347A>G (p.His116Arg)

Gene: PRKCG (protein kinase C gamma; plus strand). Cytogenetic location: 19q13.42.
Variant type: single nucleotide variant.
Coding change: c.347A>G on transcript NM_002739.5 (MANE Select); coding-DNA position 347, A replaced by G.
Protein change: p.His116Arg; replaces histidine 116 with arginine.
Molecular consequence: missense variant.
Genome position (GRCh38, 1-based): chr19:53,889,699, A>G. VCF-style: chr19-53889699-A-G. GRCh37 (hg19) VCF-style: chr19-54392953-A-G.
Other names: c.347A>G, p.His116Arg (NM_001316329.2); short protein forms H116R.
Identifiers: ClinVar variation 978272 (VCV000978272.4), dbSNP rs2068657131, ClinGen allele CA407414216.